The following is an entry in ClinVar:

NM_000059.4(BRCA2):c.2924T>A (p.Ile975Asn)

Gene: BRCA2 (BRCA2 DNA repair associated; plus strand). Cytogenetic location: 13q13.1.
Variant type: single nucleotide variant.
Coding change: c.2924T>A on transcript NM_000059.4 (MANE Select); coding-DNA position 2924, T replaced by A.
Protein change: p.Ile975Asn; replaces isoleucine 975 with asparagine.
Molecular consequence: missense variant.
Genome position (GRCh38, 1-based): chr13:32,337,279, T>A. VCF-style: chr13-32337279-T-A. GRCh37 (hg19) VCF-style: chr13-32911416-T-A.
Other names: short protein forms I975N.
Identifiers: ClinVar variation 409582 (VCV000409582.31), dbSNP rs398122756, ClinGen allele CA16613864.
Genomic context (GRCh38, chr13:32,337,279, plus strand): 5'-ACAAAAATAGTGTAAAGCAGCATATAAAAATGACTCTAGGTCAAGATTTAAAATCGGACA[T>A]CTCCTTGAATATAGATAAAATACCAGAAAAAAATAATGATTACATGAACAAATGGGCAGG-3'
Protein context (NP_000050.3, residues 965-985): MTLGQDLKSD[Ile975Asn]SLNIDKIPEK

ClinVar aggregate classification (germline): Conflicting classifications of pathogenicity. Review status: criteria provided, conflicting classifications (1 of 4 stars). 11 submissions from 11 submitters: Uncertain significance (4); Likely benign (4). 3 of the submissions do not count toward it. Last evaluated 2026-01-18.

Conditions:
Hereditary cancer-predisposing syndrome. Also called: Hereditary neoplastic syndrome; Neoplastic Syndromes, Hereditary; Tumor predisposition; Hereditary Cancer Syndrome. Identifiers: Orphanet 140162, MedGen C0027672, MeSH D009386, MONDO:0015356.
Hereditary breast ovarian cancer syndrome. Also called: Hereditary breast and ovarian cancer syndrome; Hereditary breast and/or ovarian cancer syndrome; BRCA1- and BRCA2-Associated Hereditary Breast and Ovarian Cancer; Hereditary breast and ovarian cancer syndrome (HBOC); Hereditary breast and ovarian cancer; Breast and ovarian cancer. Identifiers: Orphanet 145, MedGen C0677776, MeSH D061325, MONDO:0003582. Disease mechanism: loss of function.
Breast-ovarian cancer, familial, susceptibility to, 2 (BROVCA2). Also called: BRCA2 Hereditary Breast and Ovarian Cancer. Identifiers: Orphanet 145, MedGen C2675520, MONDO:0012933, OMIM 612555. Disease mechanism: loss of function.

Allele frequency attached by ClinVar (database versions not stated): gnomAD exomes below 0.00001; TOPMed below 0.00001; gnomAD 0.00001.

Submissions (11):

Labcorp Genetics (formerly Invitae), Labcorp
Classification: Uncertain significance for Hereditary breast ovarian cancer syndrome. Last evaluated: 2026-01-18. Review status: criteria provided, single submitter. Criteria: Invitae Variant Classification Sherloc (09022015). Collection method: clinical testing. Allele origin: germline.
Comment: This sequence change replaces isoleucine, which is neutral and non-polar, with asparagine, which is neutral and polar, at codon 975 of the BRCA2 protein (p.Ile975Asn). This variant is present in population databases (no rsID available, gnomAD 0.002%). This variant has not been reported in the literature in individuals affected with BRCA2-related conditions. ClinVar contains an entry for this variant (Variation ID: 409582). Invitae Evidence Modeling of protein sequence and biophysical properties (such as structural, functional, and spatial information, amino acid conservation, physicochemical variation, residue mobility, and thermodynamic stability) indicates that this missense variant is not expected to disrupt BRCA2 protein function with a negative predictive value of 95%. In summary, the available evidence is currently insufficient to determine the role of this variant in disease. Therefore, it has been classified as a Variant of Uncertain Significance.

Center for Genomic Medicine, Rigshospitalet, Copenhagen University Hospital
Classification: Likely benign. Last evaluated: 2025-12-29. Review status: criteria provided, single submitter. Criteria: ACMG Guidelines, 2015. Collection method: clinical testing. Allele origin: germline.
Comment: Classification criteria: BP1_strong

Women's Health and Genetics/Laboratory Corporation of America, LabCorp
Classification: Uncertain significance. Last evaluated: 2025-10-17. Review status: criteria provided, single submitter. Criteria: LabCorp Variant Classification Summary - May 2015. Collection method: clinical testing. Allele origin: germline.
Comment: Variant summary: BRCA2 c.2924T>A (p.Ile975Asn) results in a non-conservative amino acid change in the encoded protein sequence. Algorithms developed to predict the effect of missense changes on protein structure and function are either unavailable or do not agree on the potential impact of this missense change. The variant allele was found at a frequency of 4e-06 in 249096 control chromosomes. The available data on variant occurrences in the general population are insufficient to allow any conclusion about variant significance. c.2924T>A has been observed in the heterozygous state in at least 1 individual(s) affected with Hereditary Breast And Ovarian Cancer Syndrome, without strong evidence for causality (Davidson_2024). Co-occurrences with other pathogenic variant(s) have been reported (CHEK2 c.1100del, p.Thr367Metfs*15), providing supporting evidence for a benign role (Davidson_2024). To our knowledge, no experimental evidence demonstrating an impact on protein function has been reported. The following publication has been ascertained in the context of this evaluation (PMID: 39096911). ClinVar contains an entry for this variant (Variation ID: 409582). Based on the evidence outlined above, the variant was classified as uncertain significance.

Quest Diagnostics Nichols Institute San Juan Capistrano
Classification: Uncertain significance. Last evaluated: 2024-05-23. Review status: criteria provided, single submitter. Criteria: Quest Diagnostics criteria. Collection method: clinical testing. Allele origin: unknown.
Comment: The BRCA2 c.2924T>A (p.Ile975Asn) variant has been reported in the published literature to be located in a region of the BRCA2 gene that is tolerant to missense sequence changes (PMID: 31911673 (2020)). The frequency of this variant in the general population, 0.0000071 (2/280480 chromosomes (Genome Aggregation Database)), is uninformative in the assessment of its pathogenicity. Analysis of this variant using bioinformatics tools for the prediction of the effect of amino acid changes on protein structure and function yielded predictions that this variant is benign. Based on the available information, we are unable to determine the clinical significance of this variant.

University of Washington Department of Laboratory Medicine, University of Washington
Classification: Likely benign for Hereditary cancer-predisposing syndrome. Last evaluated: 2023-03-23. Review status: criteria provided, single submitter. Criteria: Dines et al. (Genet Med. 2020). Collection method: curation. Allele origin: germline.
Comment: Missense variant in a coldspot region where missense variants are very unlikely to be pathogenic (PMID:31911673).

BRCA2 exon 11 coldspot. Reclassification based on statistical prior probability.

Ambry Genetics
Classification: Uncertain significance for Hereditary cancer-predisposing syndrome. Last evaluated: 2023-03-14. Review status: criteria provided, single submitter. Criteria: Ambry Variant Classification Scheme 2023. Collection method: clinical testing. Allele origin: germline.
Comment: The p.I975N variant (also known as c.2924T>A), located in coding exon 10 of the BRCA2 gene, results from a T to A substitution at nucleotide position 2924. The isoleucine at codon 975 is replaced by asparagine, an amino acid with dissimilar properties. This amino acid position is not well conserved in available vertebrate species. In addition, this alteration is predicted to be tolerated by in silico analysis. Since supporting evidence is limited at this time, the clinical significance of this alteration remains unclear.

Genome Diagnostics Laboratory, University Medical Center Utrecht
Classification: Likely benign for Breast-ovarian cancer, familial, susceptibility to, 2. Last evaluated: 2017-07-28. Review status: criteria provided, single submitter. Criteria: ACGS Guidelines, 2013. Collection method: clinical testing. Allele origin: germline. Affected: yes. Study: VKGL Data-share Consensus.

Clinical Genetics DNA and cytogenetics Diagnostics Lab, Erasmus MC, Erasmus Medical Center
Classification: Likely benign for Breast-ovarian cancer, familial, susceptibility to, 2. Last evaluated: 2015-09-21. Review status: criteria provided, single submitter. Criteria: ACGS Guidelines, 2013. Collection method: clinical testing. Allele origin: germline. Affected: yes. Study: VKGL Data-share Consensus.

Clinical Genetics Laboratory, Department of Pathology, Netherlands Cancer Institute
Classification: Likely benign. Review status: no assertion criteria provided. Collection method: clinical testing. Allele origin: germline. Affected: yes. Study: VKGL Data-share Consensus. Not counted in ClinVar's aggregate classification.

Diagnostic Laboratory, Department of Genetics, University Medical Center Groningen
Classification: Likely benign. Review status: no assertion criteria provided. Collection method: clinical testing. Allele origin: germline. Affected: yes. Study: VKGL Data-share Consensus. Not counted in ClinVar's aggregate classification.

Joint Genome Diagnostic Labs from Nijmegen and Maastricht, Radboudumc and MUMC+
Classification: Likely benign. Review status: no assertion criteria provided. Collection method: clinical testing. Allele origin: germline. Affected: yes. Study: VKGL Data-share Consensus. Not counted in ClinVar's aggregate classification.

Literature cited by the submitters: PubMed 39096911 (cited by Women's Health and Genetics/Laboratory Corporation of America, LabCorp); PubMed 31911673 (cited by Quest Diagnostics Nichols Institute San Juan Capistrano); PubMed 31853058 (cited by Quest Diagnostics Nichols Institute San Juan Capistrano); PubMed 29884841 (cited by Ambry Genetics).